The following is an entry in ClinVar:

NM_001281775.3(ZMYND8):c.14+34dup

Genes: ZMYND8 (zinc finger MYND-type containing 8; minus strand), LOC112694718 (Sharpr-MPRA regulatory region 8686; plus strand). Cytogenetic location: 20q13.12.
Variant type: Duplication.
Coding change: c.14+34dup on transcript NM_001281775.3 (MANE Select); 34 bases into the intron after coding-DNA position 14, one base duplicated (C; older notation c.14+34dupC).
Molecular consequence: intron variant.
Genome position (GRCh38, 1-based): chr20:47,356,623, G duplicated on the plus strand (C on the coding strand, the reverse complement: ZMYND8 is on the minus strand); the first of 5 consecutive G bases (chr20:47,356,623-47,356,627); duplicating any one gives the same sequence. VCF-style (leftmost placement, unchanged base first): chr20-47356622-A-AG. GRCh37 (hg19) VCF-style: chr20-45985366-A-AG.
Other names: c.14+34dup (NM_001281781.3, NM_001281784.3, NM_001281771.3 and 9 more transcripts); c.-922+34dup (NM_001281780.3, NM_001281779.3); c.-118+34dup (NM_001281774.3, NM_001281773.3); c.-171+34dup (NM_001281772.3).
Identifiers: ClinVar variation 4538246 (VCV004538246.1).

ClinVar aggregate classification (germline): Uncertain significance (1 of 4 stars; one submission).

Submission:

Greenwood Genetic Center Diagnostic Laboratories, Greenwood Genetic Center
Classification: Uncertain significance. Last evaluated: 2025-05-19. Review status: criteria provided, single submitter. Criteria: ACMG Guidelines, 2015. Collection method: clinical testing. Allele origin: germline. Affected: yes.
Comment: PM2